The following is an entry in ClinVar:

NM_001267550.2(TTN):c.18208G>T (p.Glu6070Ter)

Genes: TTN (titin; minus strand), LOC126806430 (BRD4-independent group 4 enhancer GRCh37_chr2:179593794-179594993; plus strand). Cytogenetic location: 2q31.2.
Variant type: single nucleotide variant.
Coding change: c.18208G>T on transcript NM_001267550.2 (MANE Select); coding-DNA position 18208, G replaced by T.
Protein change: p.Glu6070Ter; replaces glutamic acid 6070 with a stop codon.
Molecular consequence: nonsense. On other transcripts: intron variant (3).
Genome position (GRCh38, 1-based): chr2:178,730,192, C>A on the plus strand (G>T on the coding strand, the complement: TTN is on the minus strand). VCF-style: chr2-178730192-C-A. GRCh37 (hg19) VCF-style: chr2-179594919-C-A.
Other names: c.17257G>T, p.Glu5753Ter (NM_001256850.1); c.14476G>T, p.Glu4826Ter (NM_133378.4); c.13282+7890G>T (NM_003319.4); c.13858+7890G>T (NM_133437.4); c.13657+7890G>T (NM_133432.3); short protein forms E4826*, E5753*, E6070*.
Identifiers: ClinVar variation 2573342 (VCV002573342.2), dbSNP rs1238374094, ClinGen allele CA349564565.
Genomic context (GRCh38, chr2:178,730,192, plus strand): 5'-CATCATTGCTTAGTTGGCAAATGTAGGTTCCAGAATCGGTAGCTTTGGCTGCAAAGAGCT[C>A]TAGACTGGTAGAGGTGTCATCCTTCCAAACTGAGCGGGCTGCTCCTGAGTGTAACTCTTT-3'

ClinVar aggregate classification (germline): Likely pathogenic (1 of 4 stars; one submission).

Conditions:
Primary familial dilated cardiomyopathy (FDC). Also called: Familial dilated cardiomyopathy; Hypokinetic dilated cardiomyopathy, familial. Identifiers: Orphanet 217607, MedGen C0340427, MONDO:0016333.

Submission:

Women's Health and Genetics/Laboratory Corporation of America, LabCorp
Classification: Likely pathogenic for Primary familial dilated cardiomyopathy. Last evaluated: 2025-01-16. Review status: criteria provided, single submitter. Criteria: LabCorp Variant Classification Summary - May 2015. Collection method: clinical testing. Allele origin: germline.
Comment: Variant summary: TTN c.14476G>T (p.Glu4826X) (also known as c.18208G>T, p.Glu6070X on NM_001267550) results in a premature termination codon, predicted to cause a truncation of the encoded protein or absence of the protein due to nonsense mediated decay, which are commonly known mechanisms for disease. Loss of function variants in all TTN bands are strongly associated with a spectrum of autosomal recessive titinopathies when exon expression (proportion spliced in, PSI, 1=complete expression) in skeletal muscle is >0.1 (PMID: 36977548, 39198997, 29598826, 32778822, 29691892, 33449170, 36977548, internal data). In contrast, loss of function variants in all TTN bands are only strongly associated with autosomal dominant TTN-related cardiomyopathies if located in exons constitutively expressed (PSI >0.9) in cardiac muscle, excluding extreme C-terminal exons 359-363 (PMID: 25589632, 31216868, 32964742, 34662387, 27869827, Shetty et al., Nat Cardiovasc Res 2024,, internal data). This variant has a maximum skeletal muscle PSI of 0.969 and a maximum cardiac muscle PSI of 0.242. The variant was absent in 248322 control chromosomes (gnomAD). To our knowledge, no occurrence of c.14476G>T in individuals affected with TTN-related conditions and no experimental evidence demonstrating its impact on protein function have been reported. ClinVar contains an entry for this variant (Variation ID: 2573342). Based on the evidence outlined above, the variant was classified as likely pathogenic for autosomal recessive TTN-related conditions.